The following is an entry in ClinVar:

NM_000292.3(PHKA2):c.2911C>A (p.Arg971Ser)

Gene: PHKA2 (phosphorylase kinase regulatory subunit alpha 2; minus strand). Cytogenetic location: Xp22.13.
Variant type: single nucleotide variant.
Coding change: c.2911C>A on transcript NM_000292.3 (MANE Select); coding-DNA position 2911, C replaced by A.
Protein change: p.Arg971Ser; replaces arginine 971 with serine.
Molecular consequence: missense variant.
Genome position (GRCh38, 1-based): chrX:18,901,601, G>T on the plus strand (C>A on the coding strand, the complement: PHKA2 is on the minus strand). VCF-style: chrX-18901601-G-T. GRCh37 (hg19) VCF-style: chrX-18919719-G-T.
Other names: c.2911C>A, p.Arg971Ser (NM_001440800.1, NM_001440801.1, NM_001440805.1); c.2812C>A, p.Arg938Ser (NM_001440802.1, NM_001440803.1, NM_001440804.1); short protein forms R971S, R938S.
Identifiers: ClinVar variation 4751849 (VCV004751849.1).

ClinVar aggregate classification (germline): Uncertain significance (1 of 4 stars; one submission).

Conditions:
Glycogen storage disease IXa1. Also called: GLYCOGEN STORAGE DISEASE VIII; GSD VIII; Glycogen storage disease 8; LIVER GLYCOGENOSIS, X-LINKED, TYPE I. Identifiers: Orphanet 264580, MedGen C3694531, MONDO:0010598, OMIM 306000.

gnomAD v4.1: 6 of 1,150,988 alleles (0.00052%); highest among the groups gnomAD compares: Non-Finnish European, 0.00059%; no homozygotes.

Submission:

Labcorp Genetics (formerly Invitae), Labcorp
Classification: Uncertain significance for Glycogen storage disease IXa1. Last evaluated: 2025-04-14. Review status: criteria provided, single submitter. Criteria: Invitae Variant Classification Sherloc (09022015). Collection method: clinical testing. Allele origin: germline.
Comment: This sequence change replaces arginine, which is basic and polar, with serine, which is neutral and polar, at codon 971 of the PHKA2 protein (p.Arg971Ser). This variant is present in population databases (rs768601102, gnomAD 0.003%). This variant has not been reported in the literature in individuals affected with PHKA2-related conditions. An algorithm developed to predict the effect of missense changes on protein structure and function (PolyPhen-2) suggests that this variant is likely to be disruptive. In summary, the available evidence is currently insufficient to determine the role of this variant in disease. Therefore, it has been classified as a Variant of Uncertain Significance.